The following is an entry in ClinVar:

ClinVar aggregate classification (germline): Conflicting classifications of pathogenicity. Review status: criteria provided, conflicting classifications (1 of 4 stars). 24 submissions from 24 submitters: Uncertain significance (15); Likely benign (1). 8 of the submissions do not count toward it. Last evaluated 2026-01-31.

Conditions:
BRCA1-related disorder. Also called: BRCA1-related condition.
BRCA1-related cancer predisposition. Identifiers: MedGen CN377757, MONDO:0700268.
Breast-ovarian cancer, familial, susceptibility to, 1 (BROVCA1). Also called: OVARIAN CANCER, SUSCEPTIBILITY TO; BRCA1 Hereditary Breast and Ovarian Cancer. Identifiers: Orphanet 145, MedGen C2676676, MONDO:0011450, OMIM 604370. Disease mechanism: loss of function.
Pancreatic cancer, susceptibility to, 4. Identifiers: Orphanet 1333, MedGen C3280442, MONDO:0013685, OMIM 614320.
Fanconi anemia, complementation group S (FANCS). Identifiers: MedGen C4554406, MONDO:0054748, OMIM 617883.
Breast and/or ovarian cancer. Identifiers: MedGen CN221562.
Hereditary cancer-predisposing syndrome. Also called: Tumor predisposition; Neoplastic Syndromes, Hereditary; Hereditary Cancer Syndrome; Hereditary neoplastic syndrome. Identifiers: Orphanet 140162, MedGen C0027672, MeSH D009386, MONDO:0015356.
Hereditary breast ovarian cancer syndrome. Also called: Hereditary breast and ovarian cancer syndrome (HBOC); Hereditary breast and ovarian cancer syndrome; Hereditary breast and ovarian cancer; Hereditary breast and/or ovarian cancer syndrome; Breast and ovarian cancer; BRCA1- and BRCA2-Associated Hereditary Breast and Ovarian Cancer. Identifiers: Orphanet 145, MedGen C0677776, MeSH D061325, MONDO:0003582. Disease mechanism: loss of function.
Familial cancer of breast. Also called: Hereditary breast cancer; hereditary breast carcinoma; BREAST CANCER, FAMILIAL. Identifiers: Orphanet 227535, MedGen C0346153, MONDO:0016419, OMIM 114480. Disease mechanism: loss of function.
Malignant tumor of breast. Also called: Malignant breast neoplasm; Cancer breast. Identifiers: MedGen C0006142, MONDO:0007254. Disease mechanism: loss of function.

Allele frequency attached by ClinVar (database versions not stated): gnomAD 0.00007 and 0.00008; TOPMed 0.00009; ESP Exome Variant Server 0.00023.
gnomAD v4.1: 32 of 1,613,780 alleles (0.002%); highest among the groups gnomAD compares: African/African-American, 0.029%; no homozygotes.

Submissions 1 to 5 of 25:

Labcorp Genetics (formerly Invitae), Labcorp
Classification: Uncertain significance for Hereditary breast ovarian cancer syndrome. Last evaluated: 2026-01-31. Review status: criteria provided, single submitter. Criteria: Invitae Variant Classification Sherloc (09022015). Collection method: clinical testing. Allele origin: germline.
Comment: This sequence change replaces alanine, which is neutral and non-polar, with valine, which is neutral and non-polar, at codon 1708 of the BRCA1 protein (p.Ala1708Val). This variant is present in population databases (rs28897696, gnomAD 0.03%). This missense change has been observed in individual(s) with a personal and/or family history of breast cancer and/or kidney cancer (PMID: 16489001, 18036263, 22034289, 26287763, 26689913, 27495310). This variant is also known as 5242C>T (A1708V). ClinVar contains an entry for this variant (Variation ID: 37640). Invitae Evidence Modeling incorporating data from in vitro experimental studies (PMID: 30209399) indicates that this missense variant is not expected to disrupt BRCA1 function with a negative predictive value of 95%. Experimental studies are conflicting or provide insufficient evidence to determine the effect of this variant on BRCA1 function (PMID: 18036263, 20516115, 26689913, 30209399). This variant disrupts the p.Ala1708 amino acid residue in BRCA1. Other variant(s) that disrupt this residue have been determined to be pathogenic (PMID: 1157798, 11802208, 15923272, 19404736, 23867111). This suggests that this residue is clinically significant, and that variants that disrupt this residue are likely to be disease-causing. In summary, the available evidence is currently insufficient to determine the role of this variant in disease. Therefore, it has been classified as a Variant of Uncertain Significance.

Women's Health and Genetics/Laboratory Corporation of America, LabCorp
Classification: Uncertain significance. Last evaluated: 2025-05-29. Review status: criteria provided, single submitter. Criteria: LabCorp Variant Classification Summary - May 2015. Collection method: clinical testing. Allele origin: germline.
Comment: Variant summary: BRCA1 c.5123C>T (p.Ala1708Val) results in a non-conservative amino acid change located in the BRCT domain (IPR001357) of the encoded protein sequence. Algorithms developed to predict the effect of missense changes on protein structure and function all suggest that this variant is likely to be disruptive. The variant allele was found at a frequency of 2.8e-05 in 251672 control chromosomes. c.5123C>T has been reported in the literature in individuals affected with breast and/or ovarian and other cancers (example: Caldes_2002, Chenevix-Trench_2006, Lovelock_2007, Fackenthal_2012, Lu_2015, Pal_2015, Jarhelle_2016, Moller_2019, Zhang_2022, Yang_2022, Rioki_2023). These reports do not provide unequivocal conclusions about association of the variant with Hereditary Breast And Ovarian Cancer Syndrome. This variant was also reported in the FLOSSIES database in women older than age 70 years who have never had cancer. Co-occurrences with pathogenic BRCA2 variants have been observed at our laboratory (c.5641_5644delAAAT, p.Lys1881GlnfsX27; c.8188G>C, p.Ala2730Pro; c.3939_3943delCAAGA, p.Y1313X), while an additional non-specified BRCA2 co-occurrence has been reported by an external laboratory in the ClinVar database (SCV000076816.10), providing supporting evidence for a benign role. Multiple publications have reported experimental evidence evaluating an impact on protein function, however, outcomes varied depending upon types of assays performed (example, Lovelock_2007, Lee_2008, Lu_2015, Findlay_2018, Fernandes_2019, Petitalot_2019, Bassi_2023). The variant had normal effect on protein expression and foci formation in response to DNA damage, functional homology directed repair (HDR) activity, but had conflicting results ranging from normal to intermediate/strong effect on transcription, protein folding, centrosome amplification and phosphopeptide binding. For these reasons, a recent study reports this variant among those having an intermediate impact (Petitalot_2019). The possibility of the variant being a hypomorphic mildly causative allele associated with a late onset/variable penetrance cannot be ruled out. The following publications have been ascertained in the context of this evaluation (PMID: 30263132, 25637381, 12161611, 16489001, 24055113, 22034289, 30765603, 30209399, 21702907, 29625052, 27495310, 30458859, 20516115, 15744030, 18036263, 26689913, 30678073, 26287763, 30257991, 17403394, 22889855, 28781887, 11802208, 35918668, 35918668, 37085799, 37719058). ClinVar contains an entry for this variant (Variation ID: 37640). Based on the evidence outlined above, the variant was classified as uncertain significance.

Ambry Genetics
Classification: Uncertain significance for Hereditary cancer-predisposing syndrome. Last evaluated: 2025-05-14. Review status: criteria provided, single submitter. Criteria: Ambry Variant Classification Scheme 2023. Collection method: clinical testing. Allele origin: germline.
Comment: The p.A1708V variant (also known as c.5123C>T), located in coding exon 16 of the BRCA1 gene, results from a C to T substitution at nucleotide position 5123. The alanine at codon 1708 is replaced by valine, an amino acid with similar properties. This alteration impacts the functionally important BRCT domain and has been associated with reduced/partial BRCA1 function, suggesting that p.A1708V may act as a low or moderate disease risk allele (Lovelock PK et al. Breast Cancer Res. 2007;9:R82; Lee MS et al. Cancer Res. 2010 Jun;70:4880-90; Lu C et al. Nat Commun. 2015 Dec;6:10086). Based on one functional study using saturation genome editing, this alteration does not affect the BRCA1 protein (Findlay GM et al. Nature. 2018 10;562:217-222). Of note, this alteration is also known as 5242C>T in published literature. This amino acid position is highly conserved in available vertebrate species. In addition, this alteration is predicted to be deleterious by in silico analysis. Since supporting evidence conflicting at this time, the clinical significance of this alteration remains unclear.

Blueprint Genetics
Classification: Uncertain significance. Last evaluated: 2024-09-11. Review status: criteria provided, single submitter. Criteria: ACMG Guidelines, 2015. Collection method: clinical testing. Allele origin: germline.

GeneDx
Classification: Uncertain significance. Last evaluated: 2024-06-27. Review status: criteria provided, single submitter. Criteria: GeneDx Variant Classification Process June 2021. Collection method: clinical testing. Allele origin: germline. Affected: yes.
Comment: Published functional studies showed mixed results with respect to folding ability, binding activity and specificity, homologous recombination repair activity, transcriptional activation, centrosome amplification, foci formation in response to DNA damage, and cell survival (PMID: 18036263, 20516115, 26689913, 28781887, 30209399, 30458859, 30765603, 30257991, 35665744, 37085799); Observed in individuals with a personal and/or family history of breast and other cancers (PMID: 16489001, 22034289, 26689913, 26287763, 35918668, 37719058); In silico analysis supports that this missense variant has a deleterious effect on protein structure/function; Also known as 5242C>T; This variant is associated with the following publications: (PMID: 24607278, 22889855, 17403394, 26689913, 26287763, 30263132, 29625052, 16489001, 18036263, 20516115, 22034289, 25637381, 20522429, 15744030, 12161611, 24055113, 28024868, 27720647, 27495310, 28781887, 30209399, 30458859, 30765603, 23867111, 21702907, 15923272, 11802208, 31409081, 30257991, 30678073, 32377563, 35665744, 37085799, 35918668, 36451132, 34621001, 37719058, 1157798, 34981296, 25348405)

NM_007294.4(BRCA1):c.5123C>T (p.Ala1708Val)

Gene: BRCA1 (BRCA1 DNA repair associated; minus strand). Cytogenetic location: 17q21.31.
Variant type: single nucleotide variant.
Coding change: c.5123C>T on transcript NM_007294.4 (MANE Select); coding-DNA position 5123, C replaced by T.
Protein change: p.Ala1708Val; replaces alanine 1708 with valine.
Molecular consequence: missense variant. On other transcripts: non-coding transcript variant (1).
Genome position (GRCh38, 1-based): chr17:43,063,903, G>A on the plus strand (C>T on the coding strand, the complement: BRCA1 is on the minus strand). VCF-style: chr17-43063903-G-A. GRCh37 (hg19) VCF-style: chr17-41215920-G-A.
Other names: p.A1708V:GCG>GTG; 5242C>T; c.1670C>T, p.Ala557Val (NM_001408459.1, NM_001408460.1, NM_001408461.1 and 7 more transcripts); c.1667C>T, p.Ala556Val (NM_001408468.1, NM_001408469.1, NM_001408470.1); c.1811C>T, p.Ala604Val (NM_001408472.1, NM_007298.4, NM_007299.4 and 13 more transcripts); c.1808C>T, p.Ala603Val (NM_001408473.1, NM_001408392.1, NM_001408396.1 and 8 more transcripts); c.1613C>T, p.Ala538Val (NM_001408474.1); c.1610C>T, p.Ala537Val (NM_001408475.1, NM_001408476.1); and 73 more; short protein forms A1708V, A1661V, A1729V, A604V, A1411V, A1580V, A1581V, A1597V.
Identifiers: ClinVar variation 37640 (VCV000037640.55), dbSNP rs28897696, ClinGen allele CA003253.